The following is an entry in ClinVar:

NM_001080467.3(MYO5B):c.1300A>G (p.Ile434Val)

Gene: MYO5B (myosin VB; minus strand). Cytogenetic location: 18q21.1.
Variant type: single nucleotide variant.
Coding change: c.1300A>G on transcript NM_001080467.3 (MANE Select); coding-DNA position 1300, A replaced by G.
Protein change: p.Ile434Val; replaces isoleucine 434 with valine.
Molecular consequence: missense variant.
Genome position (GRCh38, 1-based): chr18:49,974,372, T>C on the plus strand (A>G on the coding strand, the complement: MYO5B is on the minus strand). VCF-style: chr18-49974372-T-C. GRCh37 (hg19) VCF-style: chr18-47500742-T-C.
Other names: c.1300A>G (NM_001080467.2); short protein forms I434V.
Identifiers: ClinVar variation 1419429 (VCV001419429.6), dbSNP rs372853673, ClinGen allele CA8961590.
Genomic context (GRCh38, chr18:49,974,372, plus strand): 5'-CCAGGTAGCAGATAGAGCGAGACAGGCGGCAGGCCTACCCATAGATGTCCAGGACCCCGA[T>C]GAAGGAGTGCTGCTTGAGGGAGGTGTGCAGGGCCTTGTTGATGTGCTCCACAATCCAGCC-3'
Protein context (NP_001073936.1, residues 424-444): LHTSLKQHSF[Ile434Val]GVLDIYGFET

ClinVar aggregate classification (germline): Uncertain significance. Review status: criteria provided, multiple submitters, no conflicts (2 of 4 stars). 2 submissions from 2 submitters: Uncertain significance (2). Last evaluated 2025-02-17.

Conditions:
MYO5B-related disorder. Also called: MYO5B-related condition.

Allele frequency attached by ClinVar (database versions not stated): gnomAD exomes 0.00004; ExAC 0.00005; gnomAD 0.00007 and 0.00009; ESP Exome Variant Server 0.00008; TOPMed 0.00009.
gnomAD v4.1: 18 of 1,614,070 alleles (0.0011%); highest among the groups gnomAD compares: African/African-American, 0.02%; no homozygotes.

Submissions (2):

PreventionGenetics, part of Exact Sciences
Classification: Uncertain significance for MYO5B-related condition. Last evaluated: 2025-02-17. Review status: criteria provided, single submitter. Criteria: ACMG Guidelines, 2015. Collection method: clinical testing. Allele origin: germline.
Comment: The MYO5B c.1300A>G variant is predicted to result in the amino acid substitution p.Ile434Val. To our knowledge, this variant has not been reported in the literature. This variant is reported in 0.041% of alleles in individuals of African descent in gnomAD. At this time, the clinical significance of this variant is uncertain due to the absence of conclusive functional and genetic evidence.

Labcorp Genetics (formerly Invitae), Labcorp
Classification: Uncertain significance. Last evaluated: 2021-09-22. Review status: criteria provided, single submitter. Criteria: Invitae Variant Classification Sherloc (09022015). Collection method: clinical testing. Allele origin: germline.
Comment: In summary, the available evidence is currently insufficient to determine the role of this variant in disease. Therefore, it has been classified as a Variant of Uncertain Significance. This sequence change replaces isoleucine with valine at codon 434 of the MYO5B protein (p.Ile434Val). The isoleucine residue is highly conserved and there is a small physicochemical difference between isoleucine and valine. This variant is present in population databases (rs372853673, ExAC 0.06%). This variant has not been reported in the literature in individuals affected with MYO5B-related conditions. Algorithms developed to predict the effect of missense changes on protein structure and function are either unavailable or do not agree on the potential impact of this missense change (SIFT: "Deleterious"; PolyPhen-2: "Benign"; Align-GVGD: "Class C0").